The following is an entry in ClinVar:

NM_003803.4(MYOM1):c.1945G>T (p.Ala649Ser)

Gene: MYOM1 (myomesin 1; minus strand). Cytogenetic location: 18p11.31.
Variant type: single nucleotide variant.
Coding change: c.1945G>T on transcript NM_003803.4 (MANE Select); coding-DNA position 1945, G replaced by T.
Protein change: p.Ala649Ser; replaces alanine 649 with serine.
Molecular consequence: missense variant.
Genome position (GRCh38, 1-based): chr18:3,142,019, C>A on the plus strand (G>T on the coding strand, the complement: MYOM1 is on the minus strand). VCF-style: chr18-3142019-C-A. GRCh37 (hg19) VCF-style: chr18-3142017-C-A.
Other names: c.1945G>T, p.Ala649Ser (NM_019856.2); short protein forms A649S.
Identifiers: ClinVar variation 1783118 (VCV001783118.4), dbSNP rs1306869287, ClinGen allele CA401713746.

ClinVar aggregate classification (germline): Uncertain significance. Review status: criteria provided, multiple submitters, no conflicts (2 of 4 stars). 2 submissions from 2 submitters: Uncertain significance (2). Last evaluated 2024-07-15.

Conditions:
Hypertrophic cardiomyopathy. Also called: HYPERTROPHIC MYOCARDIOPATHY. Identifiers: Orphanet 217569, MedGen C0007194, MeSH D002312, MONDO:0005045, HP:0001639.

Allele frequency attached by ClinVar (database versions not stated): gnomAD 0.00002; TOPMed 0.00002; gnomAD exomes 0.00003.
gnomAD v4.1: 42 of 1,613,710 alleles (0.0026%); highest among the groups gnomAD compares: Non-Finnish European, 0.0032%; no homozygotes.

Submissions (2):

Labcorp Genetics (formerly Invitae), Labcorp
Classification: Uncertain significance for Hypertrophic cardiomyopathy. Last evaluated: 2024-07-15. Review status: criteria provided, single submitter. Criteria: Invitae Variant Classification Sherloc (09022015). Collection method: clinical testing. Allele origin: germline.
Comment: This sequence change replaces alanine, which is neutral and non-polar, with serine, which is neutral and polar, at codon 649 of the MYOM1 protein (p.Ala649Ser). This variant is present in population databases (no rsID available, gnomAD 0.007%). This variant has not been reported in the literature in individuals affected with MYOM1-related conditions. ClinVar contains an entry for this variant (Variation ID: 1783118). Advanced modeling of protein sequence and biophysical properties (such as structural, functional, and spatial information, amino acid conservation, physicochemical variation, residue mobility, and thermodynamic stability) performed at Invitae indicates that this missense variant is not expected to disrupt MYOM1 protein function with a negative predictive value of 80%. In summary, the available evidence is currently insufficient to determine the role of this variant in disease. Therefore, it has been classified as a Variant of Uncertain Significance.

Ambry Genetics
Classification: Uncertain significance. Last evaluated: 2023-10-27. Review status: criteria provided, single submitter. Criteria: Ambry Variant Classification Scheme 2023. Collection method: clinical testing. Allele origin: germline.
Comment: The p.A649S variant (also known as c.1945G>T), located in coding exon 13 of the MYOM1 gene, results from a G to T substitution at nucleotide position 1945. The alanine at codon 649 is replaced by serine, an amino acid with similar properties. This amino acid position is conserved. In addition, this alteration is predicted to be tolerated by in silico analysis. Since supporting evidence is limited at this time, the clinical significance of this alteration remains unclear.